The following is an entry in ClinVar:

NM_001048174.2(MUTYH):c.650G>C (p.Arg217Pro)

Gene: MUTYH (mutY DNA glycosylase; minus strand). Cytogenetic location: 1p34.1.
Variant type: single nucleotide variant.
Coding change: c.650G>C on transcript NM_001048174.2 (MANE Select); coding-DNA position 650, G replaced by C.
Protein change: p.Arg217Pro; replaces arginine 217 with proline.
Molecular consequence: missense variant. On other transcripts: non-coding transcript variant (7).
Genome position (GRCh38, 1-based): chr1:45,332,445, C>G on the plus strand (G>C on the coding strand, the complement: MUTYH is on the minus strand). VCF-style: chr1-45332445-C-G. GRCh37 (hg19) VCF-style: chr1-45798117-C-G.
Other names: c.650G>C, p.Arg217Pro (NM_001048171.2, NM_001407070.1, NM_001407072.1 and 6 more transcripts); c.653G>C, p.Arg218Pro (NM_001048172.2, NM_001407071.1, NM_001407078.1 and 1 more transcripts); c.305G>C, p.Arg102Pro (NM_001350651.2, NM_001350650.2, NM_001407082.1); c.683G>C, p.Arg228Pro (NM_001407069.1, NM_001407077.1, NM_001293191.2); c.566G>C, p.Arg189Pro (NM_001407075.1); c.611G>C, p.Arg204Pro (NM_001407079.1); c.734G>C, p.Arg245Pro (NM_001128425.2); c.695G>C, p.Arg232Pro (NM_001293190.2); and 5 more; short protein forms R204P, R217P, R232P, R125P, R203P, R218P, R245P, R224P.
Identifiers: ClinVar variation 3681495 (VCV003681495.2).

ClinVar aggregate classification (germline): Uncertain significance (1 of 4 stars; one submission).

Conditions:
Familial adenomatous polyposis 2. Also called: COLORECTAL ADENOMATOUS POLYPOSIS, AUTOSOMAL RECESSIVE; ADENOMAS, MULTIPLE COLORECTAL, AUTOSOMAL RECESSIVE; MYH-associated polyposis; Adenomas, multiple colorectal; FAP type 2; MUTYH-associated polyposis. Identifiers: Orphanet 220460, Orphanet 247798, MedGen C3272841, MONDO:0012041, OMIM 608456.

Submission:

Labcorp Genetics (formerly Invitae), Labcorp
Classification: Uncertain significance for Familial adenomatous polyposis 2. Last evaluated: 2024-10-10. Review status: criteria provided, single submitter. Criteria: Invitae Variant Classification Sherloc (09022015). Collection method: clinical testing. Allele origin: germline.
Comment: This sequence change replaces arginine, which is basic and polar, with proline, which is neutral and non-polar, at codon 245 of the MUTYH protein (p.Arg245Pro). This variant is not present in population databases (gnomAD no frequency). This variant has not been reported in the literature in individuals affected with MUTYH-related conditions. An algorithm developed to predict the effect of missense changes on protein structure and function (PolyPhen-2) suggests that this variant is likely to be disruptive. This variant disrupts the p.Arg245 amino acid residue in MUTYH. Other variant(s) that disrupt this residue have been determined to be pathogenic (PMID: 16557584, 18534194, 19394335, 22865608, 23108399, 24444654, 26446593). This suggests that this residue is clinically significant, and that variants that disrupt this residue are likely to be disease-causing. In summary, the available evidence is currently insufficient to determine the role of this variant in disease. Therefore, it has been classified as a Variant of Uncertain Significance.

Literature cited by the submitters: PubMed 16557584; PubMed 18534194; PubMed 19394335; PubMed 22865608; PubMed 23108399; PubMed 24444654; PubMed 26446593.